The following is an entry in ClinVar:

ClinVar aggregate classification (germline): Uncertain significance. Review status: criteria provided, multiple submitters, no conflicts (2 of 4 stars). 2 submissions from 2 submitters: Uncertain significance (2). Last evaluated 2026-09-15.

Conditions:
TULP1-related disorder. Also called: TULP1-related condition; TULP1-related disorders.

Submissions (2):

PreventionGenetics, part of Exact Sciences
Classification: Uncertain significance for TULP1-related condition. Last evaluated: 2026-09-15. Review status: criteria provided, single submitter. Criteria: ACMG Guidelines, 2015. Collection method: clinical testing. Allele origin: germline.
Comment: The TULP1 c.74C>T variant is predicted to result in the amino acid substitution p.Pro25Leu. To our knowledge, this variant has not been reported in the literature. This variant is reported in 0.032% of alleles in individuals of Latino descent in gnomAD. At this time, the clinical significance of this variant is uncertain due to the absence of conclusive functional and genetic evidence.

Labcorp Genetics (formerly Invitae), Labcorp
Classification: Uncertain significance. Last evaluated: 2022-06-28. Review status: criteria provided, single submitter. Criteria: Invitae Variant Classification Sherloc (09022015). Collection method: clinical testing. Allele origin: germline.
Comment: This sequence change replaces proline, which is neutral and non-polar, with leucine, which is neutral and non-polar, at codon 25 of the TULP1 protein (p.Pro25Leu). This variant is present in population databases (rs761981623, gnomAD 0.03%). This variant has not been reported in the literature in individuals affected with TULP1-related conditions. ClinVar contains an entry for this variant (Variation ID: 1034518). Algorithms developed to predict the effect of missense changes on protein structure and function output the following: SIFT: "Not Available"; PolyPhen-2: "Benign"; Align-GVGD: "Not Available". The leucine amino acid residue is found in multiple mammalian species, which suggests that this missense change does not adversely affect protein function. In summary, the available evidence is currently insufficient to determine the role of this variant in disease. Therefore, it has been classified as a Variant of Uncertain Significance.

NM_003322.6(TULP1):c.74C>T (p.Pro25Leu)

Gene: TULP1 (TUB like protein 1; minus strand). Cytogenetic location: 6p21.31.
Variant type: single nucleotide variant.
Coding change: c.74C>T on transcript NM_003322.6 (MANE Select); coding-DNA position 74, C replaced by T.
Protein change: p.Pro25Leu; replaces proline 25 with leucine.
Molecular consequence: missense variant.
Genome position (GRCh38, 1-based): chr6:35,512,664, G>A on the plus strand (C>T on the coding strand, the complement: TULP1 is on the minus strand). VCF-style: chr6-35512664-G-A. GRCh37 (hg19) VCF-style: chr6-35480441-G-A.
Other names: c.74C>T (NM_003322.5); c.74C>T, p.Pro25Leu (NM_001289395.2); short protein forms P25L.
Identifiers: ClinVar variation 1034518 (VCV001034518.5), dbSNP rs761981623, ClinGen allele CA3773038.
Genomic context (GRCh38, chr6:35,512,664, plus strand): 5'-ATCTTTCTGCTTCCTTTCCAAGTGGGGTGGCATACCTGTTTGGGGCGCCGCGGGGCCTCC[G>A]GGCTCAGGCTTTCTTCTTCATGCCCACTGAGGGTAGCAAAGGGATCAGCCTGTCTCCCTT-3'
Protein context (NP_003313.3, residues 15-35): DSGHEEESLS[Pro25Leu]EAPRRPKQRP